The following is an entry in ClinVar:

NM_004092.4(ECHS1):c.389T>A (p.Val130Asp)

Gene: ECHS1 (enoyl-CoA hydratase, short chain 1; minus strand). Cytogenetic location: 10q26.3.
Variant type: single nucleotide variant.
Coding change: c.389T>A on transcript NM_004092.4 (MANE Select); coding-DNA position 389, T replaced by A.
Protein change: p.Val130Asp; replaces valine 130 with aspartic acid.
Molecular consequence: missense variant.
Genome position (GRCh38, 1-based): chr10:133,369,929, A>T on the plus strand (T>A on the coding strand, the complement: ECHS1 is on the minus strand). VCF-style: chr10-133369929-A-T. GRCh37 (hg19) VCF-style: chr10-135183433-A-T.
Other names: short protein forms V130D.
Identifiers: ClinVar variation 1212648 (VCV001212648.10), dbSNP rs753793522, ClinGen allele CA5765803.

ClinVar aggregate classification (germline): Conflicting classifications of pathogenicity. Review status: criteria provided, conflicting classifications (1 of 4 stars). 4 submissions from 4 submitters: Pathogenic (1); Likely pathogenic (2); Uncertain significance (1). Last evaluated 2024-04-08.

Conditions:
Mitochondrial short-chain Enoyl-Coa hydratase 1 deficiency. Also called: Mitochondrial Short-Chain Enoyl-CoA Hydratase Deficiency; ECHS1 deficiency; PxMD-ECHS1. Identifiers: Orphanet 255241, Orphanet 653880, MedGen C4225391, MONDO:0014563, OMIM 616277.

Allele frequency attached by ClinVar (database versions not stated): TOPMed 0.00002; ExAC 0.00003; gnomAD exomes 0.00004 and 0.00006; gnomAD 0.00005.
gnomAD v4.1: 103 of 1,613,702 alleles (0.0064%); highest among the groups gnomAD compares: Admixed American, 0.0083%; no homozygotes.

Submissions (4):

Laboratory for Molecular Medicine, Mass General Brigham Personalized Medicine
Classification: Likely pathogenic for Mitochondrial short-chain Enoyl-Coa hydratase 1 deficiency. Last evaluated: 2024-04-08. Review status: criteria provided, single submitter. Criteria: ACMG Guidelines, 2015. Collection method: clinical testing. Allele origin: germline. Inheritance: Autosomal recessive inheritance.
Comment: The p.Val130Asp variant in ECHS1 has been reported in the compound heterozygous state in 3 individuals with clinical features of mitochondrial short-chain Enoyl-Coa hydratase 1 deficiency (ECHS1 deficiency), and segregated with disease in 1 affected sibling from 1 family (Ganetzky 2016 PMID: 26920905, Quaio 2020 PMID: 33258288, de Koning 2022 PMID: 34611884). This variant has also been reported by other clinical laboratories in ClinVar (Variation ID 1212648) and has been identified in 0.008% (5/59994) of Latino/Admixed American chromosomes by gnomAD (v4.0.0), at a frequency that is low enough to be consistent with a recessive allele frequency. Computational prediction tools and conservation analyses are consistent with pathogenicity. In summary, although additional studies are required to fully establish its clinical significance, this variant meets criteria to be classified as likely pathogenic for autosomal recessive mitochondrial short-chain Enoyl-Coa hydratase 1 deficiency. ACMG/AMP Criteria applied: PM3_Strong, PM2_Supporting, PP3, PP1.

Genetic Services Laboratory, University of Chicago
Classification: Likely pathogenic. Last evaluated: 2023-05-31. Review status: criteria provided, single submitter. Criteria: ACMG Guidelines, 2015. Collection method: clinical testing. Allele origin: germline. Affected: yes.
Comment: DNA sequence analysis of the ECHS1 gene demonstrated a sequence change, c.389T>A, in exon 3 that results in an amino acid change, p.Val130Asp. The p.Val130Asp change affects a highly conserved amino acid residue located in a domain of the ECHS1 protein that is known to be functional. The p.Val130Asp substitution appears to be damaging using several in-silico pathogenicity prediction tools (SIFT, PolyPhen2, REVEL). This particular amino acid change has been described in the literature in the compound heterozygous state with other pathogenic sequence changes in multiple individuals with mitochondrial short-chain enoyl-CoA hydratase deficiency (PMID: 26920905, 34611884, 33258288). This sequence change has been described in the gnomAD database with a frequency of 0.004% in the overall population (dbSNP rs753793522). These collective evidences indicate that this sequence change is likely pathogenic, however functional studies have not been performed to prove this conclusively.

GeneDx
Classification: Pathogenic. Last evaluated: 2023-05-29. Review status: criteria provided, single submitter. Criteria: GeneDx Variant Classification Process June 2021. Collection method: clinical testing. Allele origin: germline. Affected: yes.
Comment: Not observed at a significant frequency in large population cohorts (gnomAD); In silico analysis supports that this missense variant has a deleterious effect on protein structure/function; This variant is associated with the following publications: (PMID: 33258288, 28202214, 26920905, 34611884)

Labcorp Genetics (formerly Invitae), Labcorp
Classification: Uncertain significance. Last evaluated: 2022-06-24. Review status: criteria provided, single submitter. Criteria: Invitae Variant Classification Sherloc (09022015). Collection method: clinical testing. Allele origin: germline.
Comment: This sequence change replaces valine, which is neutral and non-polar, with aspartic acid, which is acidic and polar, at codon 130 of the ECHS1 protein (p.Val130Asp). This variant is present in population databases (rs753793522, gnomAD 0.006%). This missense change has been observed in individual(s) with clinical features of mitochondrial short-chain enoyl-CoA hydratase 1 deficiency (PMID: 26920905, 33258288). ClinVar contains an entry for this variant (Variation ID: 1212648). Advanced modeling of protein sequence and biophysical properties (such as structural, functional, and spatial information, amino acid conservation, physicochemical variation, residue mobility, and thermodynamic stability) performed at Invitae indicates that this missense variant is expected to disrupt ECHS1 protein function. In summary, the available evidence is currently insufficient to determine the role of this variant in disease. Therefore, it has been classified as a Variant of Uncertain Significance.

Literature cited by the submitters: PubMed 26920905 (cited by Laboratory for Molecular Medicine, Mass General Brigham Personalized Medicine and Labcorp Genetics (formerly Invitae), Labcorp); PubMed 33258288 (cited by Laboratory for Molecular Medicine, Mass General Brigham Personalized Medicine and Labcorp Genetics (formerly Invitae), Labcorp); PubMed 34611884 (cited by Laboratory for Molecular Medicine, Mass General Brigham Personalized Medicine).